The following is an entry in ClinVar:

ClinVar aggregate classification (germline): Uncertain significance. Review status: criteria provided, multiple submitters, no conflicts (2 of 4 stars). 2 submissions from 2 submitters: Uncertain significance (2). Last evaluated 2024-04-26.

Conditions:
Cataract 17 multiple types. Also called: CATARACT 17, PULVERULENT; CATARACT 17, CONGENITAL NUCLEAR, AUTOSOMAL RECESSIVE. Identifiers: Orphanet 91492, MedGen C3888124, MONDO:0012688, OMIM 611544.

Submissions (2):

GeneDx
Classification: Uncertain significance. Last evaluated: 2024-04-26. Review status: criteria provided, single submitter. Criteria: GeneDx Variant Classification Process June 2021. Collection method: clinical testing. Allele origin: germline. Affected: yes.
Comment: Not observed at significant frequency in large population cohorts (gnomAD); In silico analysis is inconclusive as to whether the variant alters gene splicing. In the absence of RNA/functional studies, the actual effect of this sequence change is unknown.; Has not been previously published as pathogenic or benign to our knowledge

Labcorp Genetics (formerly Invitae), Labcorp
Classification: Uncertain significance for Cataract 17 multiple types. Last evaluated: 2020-03-06. Review status: criteria provided, single submitter. Criteria: Invitae Variant Classification Sherloc (09022015). Collection method: clinical testing. Allele origin: germline.
Comment: ClinVar contains an entry for this variant (Variation ID: 468743). This variant is not present in population databases (ExAC no frequency). This sequence change falls in intron 4 of the CRYBB1 gene. It does not directly change the encoded amino acid sequence of the CRYBB1 protein, but it affects a nucleotide within the consensus splice site of the intron. Nucleotide substitutions within the consensus splice site are a relatively common cause of aberrant splicing (PMID: 17576681, 9536098). Algorithms developed to predict the effect of sequence changes on RNA splicing suggest that this variant may disrupt the consensus splice site, but this prediction has not been confirmed by published transcriptional studies. In summary, the available evidence is currently insufficient to determine the role of this variant in disease. Therefore, it has been classified as a Variant of Uncertain Significance.

Literature cited by the submitters: PubMed 17576681 (cited by Labcorp Genetics (formerly Invitae), Labcorp); PubMed 9536098 (cited by Labcorp Genetics (formerly Invitae), Labcorp).

NM_001887.4(CRYBB1):c.432+5G>C

Genes: CRYBA4 (crystallin beta A4; plus strand), CRYBB1 (crystallin beta B1; minus strand). Cytogenetic location: 22q12.1.
Variant type: single nucleotide variant.
Coding change: c.432+5G>C on transcript NM_001887.4 (MANE Select); 5 bases into the intron after coding-DNA position 432, G replaced by C.
Molecular consequence: intron variant.
Genome position (GRCh38, 1-based): chr22:26,607,884, C>G on the plus strand (G>C on the coding strand, the complement: CRYBB1 is on the minus strand). VCF-style: chr22-26607884-C-G. GRCh37 (hg19) VCF-style: chr22-27003848-C-G.
Identifiers: ClinVar variation 468743 (VCV000468743.12), dbSNP rs1555940959, ClinGen allele CA658658915.
Genomic context (GRCh38, chr22:26,607,884, plus strand): 5'-CTCAGACTTACACCTGCCCTGCCCCGCCTGGCTGATTCTCCAGCCCCAGCCGGAGAGCCA[C>G]TCACCATTTTGATGGGCCGGAAGGACATGAGCCGATCACTGCGGTAGCTGCTCGACCATG-3'